The following is an entry in ClinVar:

ClinVar aggregate classification (germline): Uncertain significance (1 of 4 stars; one submission).

Conditions:
Cardiovascular phenotype. Identifiers: MedGen CN230736.

gnomAD v4.1: 2 of 1,550,798 alleles (0.00013%); highest among the groups gnomAD compares: Non-Finnish European, 0.00017%; no homozygotes.

Submission:

Ambry Genetics
Classification: Uncertain significance for Cardiovascular phenotype. Last evaluated: 2023-05-18. Review status: criteria provided, single submitter. Criteria: Ambry Variant Classification Scheme 2023. Collection method: clinical testing. Allele origin: germline.
Comment: The p.N3840K variant (also known as c.11520C>G), located in coding exon 2 of the ZNF469 gene, results from a C to G substitution at nucleotide position 11520. The asparagine at codon 3840 is replaced by lysine, an amino acid with similar properties. This amino acid position is conserved. In addition, this alteration is predicted to be tolerated by in silico analysis. Since supporting evidence is limited at this time, the clinical significance of this alteration remains unclear.

NM_001367624.2(ZNF469):c.11604C>G (p.Asn3868Lys)

Gene: ZNF469 (zinc finger protein 469; plus strand). Cytogenetic location: 16q24.2.
Variant type: single nucleotide variant.
Coding change: c.11604C>G on transcript NM_001367624.2 (MANE Select); coding-DNA position 11604, C replaced by G.
Protein change: p.Asn3868Lys; replaces asparagine 3868 with lysine.
Molecular consequence: missense variant.
Genome position (GRCh38, 1-based): chr16:88,439,074, C>G. VCF-style: chr16-88439074-C-G. GRCh37 (hg19) VCF-style: chr16-88505482-C-G.
Other names: NM_001127464.1:c.11520C>G; short protein forms N3868K.
Identifiers: ClinVar variation 2564257 (VCV002564257.2), dbSNP rs1428573853, ClinGen allele CA397130672.